The following is an entry in ClinVar:

ClinVar aggregate classification (germline): Uncertain significance (1 of 4 stars; one submission).

Conditions:
Ataxia-telangiectasia syndrome (AT). Also called: Ataxia telangiectasia (A-T); LOUIS-BAR SYNDROME; Cerebello-oculocutaneous telangiectasia; Immunodeficiency with ataxia telangiectasia; AT, COMPLEMENTATION GROUP C; Ataxia-telangiectasia, complementation group D. Identifiers: Orphanet 100, MedGen C0004135, MONDO:0008840, OMIM 208900.

Submission:

Labcorp Genetics (formerly Invitae), Labcorp
Classification: Uncertain significance for Ataxia-telangiectasia syndrome. Last evaluated: 2021-03-13. Review status: criteria provided, single submitter. Criteria: Invitae Variant Classification Sherloc (09022015). Collection method: clinical testing. Allele origin: germline.
Comment: In summary, the available evidence is currently insufficient to determine the role of this variant in disease. Therefore, it has been classified as a Variant of Uncertain Significance. Advanced modeling of protein sequence and biophysical properties (such as structural, functional, and spatial information, amino acid conservation, physicochemical variation, residue mobility, and thermodynamic stability) performed at Invitae indicates that this missense variant is not expected to disrupt ATM protein function. This variant has not been reported in the literature in individuals with ATM-related conditions. This variant is not present in population databases (ExAC no frequency). This sequence change replaces glutamine with histidine at codon 852 of the ATM protein (p.Gln852His). The glutamine residue is moderately conserved and there is a small physicochemical difference between glutamine and histidine.

NM_000051.4(ATM):c.2556G>C (p.Gln852His)

Gene: ATM (ATM serine/threonine kinase; plus strand). Cytogenetic location: 11q22.3.
Variant type: single nucleotide variant.
Coding change: c.2556G>C on transcript NM_000051.4 (MANE Select); coding-DNA position 2556, G replaced by C.
Protein change: p.Gln852His; replaces glutamine 852 with histidine.
Molecular consequence: missense variant.
Genome position (GRCh38, 1-based): chr11:108,267,260, G>C. VCF-style: chr11-108267260-G-C. GRCh37 (hg19) VCF-style: chr11-108137987-G-C.
Other names: c.2556G>C, p.Gln852His (NM_001351834.2); short protein forms Q852H.
Identifiers: ClinVar variation 1424880 (VCV001424880.8), dbSNP rs2081307368, ClinGen allele CA382543774.
Genomic context (GRCh38, chr11:108,267,260, plus strand): 5'-TGGAGAAGTAGAATCAATGGAAGATGATACTAATGGAAATCTAATGGAGGTGGAGGATCA[G>C]TCATCCATGAATCTATTTAACGATTACCCTGATAGTAGTGTTAGTGATGCAAACGAACCT-3'
Protein context (NP_000042.3, residues 842-862): TNGNLMEVED[Gln852His]SSMNLFNDYP